The following is an entry in ClinVar:

NM_001351288.2(MGAT4C):c.1345A>G (p.Ile449Val)

Gene: MGAT4C (MGAT4 family member C; minus strand). Cytogenetic location: 12q21.31.
Variant type: single nucleotide variant.
Coding change: c.1345A>G on transcript NM_001351288.2 (MANE Select); coding-DNA position 1345, A replaced by G.
Protein change: p.Ile449Val; replaces isoleucine 449 with valine.
Molecular consequence: missense variant. On other transcripts: non-coding transcript variant (1).
Genome position (GRCh38, 1-based): chr12:85,979,381, T>C on the plus strand (A>G on the coding strand, the complement: MGAT4C is on the minus strand). VCF-style: chr12-85979381-T-C. GRCh37 (hg19) VCF-style: chr12-86373159-T-C.
Other names: c.1459A>G, p.Ile487Val (NM_001351282.2); c.1432A>G, p.Ile478Val (NM_001351283.2, NM_001351284.2); c.1345A>G, p.Ile449Val (NM_001351285.2, NM_001351286.2, NM_001351287.2 and 3 more transcripts); short protein forms I449V, I487V, I478V.
Identifiers: ClinVar variation 2356291 (VCV002356291.26), dbSNP rs144502445, ClinGen allele CA6710099.

ClinVar aggregate classification (germline): Conflicting classifications of pathogenicity. Review status: criteria provided, conflicting classifications (1 of 4 stars). 2 submissions from 2 submitters: Uncertain significance (1); Likely benign (1). Last evaluated 2022-10-26.

Allele frequency attached by ClinVar (database versions not stated): 1000 Genomes Project 30x 0.00078; 1000 Genomes Project 0.00080; ESP Exome Variant Server 0.00085; gnomAD 0.00092; TOPMed 0.00102; gnomAD exomes 0.00117; ExAC 0.00150.
gnomAD v4.1: 1,859 of 1,612,352 alleles (0.12%); highest among the groups gnomAD compares: Middle Eastern, 0.71%; 5 homozygotes.

Submissions (2):

Ambry Genetics
Classification: Uncertain significance. Last evaluated: 2022-10-26. Review status: criteria provided, single submitter. Criteria: Ambry Variant Classification Scheme 2023. Collection method: clinical testing. Allele origin: germline.

CeGaT Center for Human Genetics Tuebingen
Classification: Likely benign. Last evaluated: 2022-10-01. Review status: criteria provided, single submitter. Criteria: CeGaT Center For Human Genetics Tuebingen Variant Classification Criteria Version 2. Collection method: clinical testing. Allele origin: germline. Affected: yes. Observed: 1 variant allele.
Comment: MGAT4C: BP4, BS2